The following is an entry in ClinVar:

NM_001080467.3(MYO5B):c.1371T>C (p.Tyr457=)

Gene: MYO5B (myosin VB; minus strand). Cytogenetic location: 18q21.1.
Variant type: single nucleotide variant.
Coding change: c.1371T>C on transcript NM_001080467.3 (MANE Select); coding-DNA position 1371, T replaced by C.
Protein change: p.Tyr457=; no amino-acid change (tyrosine 457 retained).
Molecular consequence: synonymous variant.
Genome position (GRCh38, 1-based): chr18:49,962,982, A>G on the plus strand (T>C on the coding strand, the complement: MYO5B is on the minus strand). VCF-style: chr18-49962982-A-G. GRCh37 (hg19) VCF-style: chr18-47489352-A-G.
Identifiers: ClinVar variation 734755 (VCV000734755.10), dbSNP rs370508803, ClinGen allele CA8961554.

ClinVar aggregate classification (germline): Likely benign. Review status: criteria provided, multiple submitters, no conflicts (2 of 4 stars). 3 submissions from 3 submitters: Likely benign (2). 1 of the submissions does not count toward it. Last evaluated 2026-01-20.

Conditions:
MYO5B-related disorder. Also called: MYO5B-related condition.

Allele frequency attached by ClinVar (database versions not stated): gnomAD exomes 0.00004; ExAC 0.00006; gnomAD 0.00010; TOPMed 0.00013; ESP Exome Variant Server 0.00033.
gnomAD v4.1: 63 of 1,614,012 alleles (0.0039%); highest among the groups gnomAD compares: African/African-American, 0.023%; no homozygotes.

Submissions (3):

Labcorp Genetics (formerly Invitae), Labcorp
Classification: Likely benign. Last evaluated: 2026-01-20. Review status: criteria provided, single submitter. Criteria: Invitae Variant Classification Sherloc (09022015). Collection method: clinical testing. Allele origin: germline.

Blueprint Genetics
Classification: Likely benign. Last evaluated: 2024-07-25. Review status: criteria provided, single submitter. Criteria: ACMG Guidelines, 2015. Collection method: clinical testing. Allele origin: germline.

PreventionGenetics, part of Exact Sciences
Classification: Likely benign for MYO5B-related condition. Last evaluated: 2021-10-12. Review status: no assertion criteria provided. Collection method: clinical testing. Allele origin: germline. Not counted in ClinVar's aggregate classification.
Comment: This variant is classified as likely benign based on ACMG/AMP sequence variant interpretation guidelines (Richards et al. 2015 PMID: 25741868, with internal and published modifications).